The following is an entry in ClinVar:

ClinVar aggregate classification (germline): Uncertain significance (1 of 4 stars; one submission).

Conditions:
Chuvash polycythemia. Also called: POLYCYTHEMIA, VHL-DEPENDENT. Identifiers: Orphanet 238557, MedGen C1837915, MONDO:0009892, OMIM 263400.
Von Hippel-Lindau syndrome (VHLS). Also called: VHL syndrome; von Hippel–Lindau syndrome; Von Hippel-Lindau. Identifiers: Orphanet 892, MedGen C0019562, MONDO:0008667, OMIM 193300. Disease mechanism: loss of function.

Submission:

Labcorp Genetics (formerly Invitae), Labcorp
Classification: Uncertain significance for Von Hippel-Lindau syndrome; Chuvash polycythemia. Last evaluated: 2024-11-24. Review status: criteria provided, single submitter. Criteria: Invitae Variant Classification Sherloc (09022015). Collection method: clinical testing. Allele origin: germline.
Comment: This sequence change falls in intron 1 of the VHL gene. It is not expected to change the encoded amino acid sequence of the VHL protein. However, this sequence change falls within a cryptic exon in the VHL gene, known as exon E1’, which is naturally expressed at low levels in several human tissues (PMID: 29891534). This variant is not present in population databases (gnomAD no frequency). This variant has not been reported in the literature in individuals affected with VHL-related conditions. Algorithms developed to predict the effect of sequence changes on RNA splicing suggest that this variant is not likely to affect RNA splicing. In summary, the available evidence is currently insufficient to determine the role of this variant in disease. Therefore, it has been classified as a Variant of Uncertain Significance.

Literature cited by the submitters: PubMed 29891534.

NM_000551.4(VHL):c.340+672G>A

Genes: VHL (von Hippel-Lindau tumor suppressor; plus strand), LOC107303340 (3p25 von Hippel-Lindau tumor suppressor, E3 ubiquitin protein ligase Alu-mediated recombination region; plus strand). Cytogenetic location: 3p25.3.
Variant type: single nucleotide variant.
Coding change: c.340+672G>A on transcript NM_000551.4 (MANE Select); 672 bases into the intron after coding-DNA position 340, G replaced by A.
Molecular consequence: intron variant. On other transcripts: missense variant (1), non-coding transcript variant (1).
Genome position (GRCh38, 1-based): chr3:10,142,859, G>A. VCF-style: chr3-10142859-G-A. GRCh37 (hg19) VCF-style: chr3-10184543-G-A.
Other names: c.437G>A, p.Ser146Asn (NM_001354723.2); c.340+672G>A (NM_198156.3); short protein forms S146N.
Identifiers: ClinVar variation 3752036 (VCV003752036.2).